The following is an entry in ClinVar:

ClinVar aggregate classification (germline): Uncertain significance (1 of 4 stars; one submission).

Conditions:
SLC9A7-related disorder. Also called: SLC9A7-related condition.

Submission:

PreventionGenetics, part of Exact Sciences
Classification: Uncertain significance for SLC9A7-related condition. Last evaluated: 2025-04-07. Review status: criteria provided, single submitter. Criteria: ACMG Guidelines, 2015. Collection method: clinical testing. Allele origin: germline.
Comment: The SLC9A7 c.1250T>C variant is predicted to result in the amino acid substitution p.Leu417Ser. To our knowledge, this variant has not been reported in the literature or in a large population database (gnomAD), indicating this variant is rare. At this time, the clinical significance of this variant is uncertain due to the absence of conclusive functional and genetic evidence.

NM_001257291.2(SLC9A7):c.1250T>C (p.Leu417Ser)

Gene: SLC9A7 (solute carrier family 9 member A7; minus strand). Cytogenetic location: Xp11.3.
Variant type: single nucleotide variant.
Coding change: c.1250T>C on transcript NM_001257291.2 (MANE Select); coding-DNA position 1250, T replaced by C.
Protein change: p.Leu417Ser; replaces leucine 417 with serine.
Molecular consequence: missense variant.
Genome position (GRCh38, 1-based): chrX:46,651,210, A>G on the plus strand (T>C on the coding strand, the complement: SLC9A7 is on the minus strand). VCF-style: chrX-46651210-A-G. GRCh37 (hg19) VCF-style: chrX-46510645-A-G.
Other names: c.1247T>C, p.Leu416Ser (NM_032591.3); short protein forms L416S, L417S.
Identifiers: ClinVar variation 5001630 (VCV005001630.1).